The following is an entry in ClinVar:

NM_001378452.1(ITPR1):c.2591C>T (p.Thr864Met)

Gene: ITPR1 (inositol 1,4,5-trisphosphate receptor type 1; plus strand). Cytogenetic location: 3p26.1.
Variant type: single nucleotide variant.
Coding change: c.2591C>T on transcript NM_001378452.1 (MANE Select); coding-DNA position 2591, C replaced by T.
Protein change: p.Thr864Met; replaces threonine 864 with methionine.
Molecular consequence: missense variant.
Genome position (GRCh38, 1-based): chr3:4,674,336, C>T. VCF-style: chr3-4674336-C-T. GRCh37 (hg19) VCF-style: chr3-4716020-C-T.
Other names: c.2591C>T, p.Thr864Met (NM_001099952.4); c.2546C>T, p.Thr849Met (NM_001168272.2, NM_002222.7); short protein forms T849M, T864M.
Identifiers: ClinVar variation 1426126 (VCV001426126.8), dbSNP rs747510246, ClinGen allele CA2231446.

ClinVar aggregate classification (germline): Uncertain significance (1 of 4 stars; one submission).

Allele frequency attached by ClinVar (database versions not stated): gnomAD exomes below 0.00001; ExAC 0.00003.
gnomAD v4.1: 4 of 1,605,558 alleles (0.00025%); highest among the groups gnomAD compares: African/African-American, 0.0013%; no homozygotes.

Submission:

Labcorp Genetics (formerly Invitae), Labcorp
Classification: Uncertain significance. Last evaluated: 2020-11-26. Review status: criteria provided, single submitter. Criteria: Invitae Variant Classification Sherloc (09022015). Collection method: clinical testing. Allele origin: germline.
Comment: This sequence change replaces threonine with methionine at codon 849 of the ITPR1 protein (p.Thr849Met). The threonine residue is highly conserved and there is a moderate physicochemical difference between threonine and methionine. The frequency data for this variant in the population databases is considered unreliable, as metrics indicate poor data quality at this position in the ExAC database. This variant has not been reported in the literature in individuals with ITPR1-related conditions. Algorithms developed to predict the effect of missense changes on protein structure and function are either unavailable or do not agree on the potential impact of this missense change (SIFT: "Deleterious"; PolyPhen-2: "Probably Damaging"; Align-GVGD: "Class C0"). In summary, the available evidence is currently insufficient to determine the role of this variant in disease. Therefore, it has been classified as a Variant of Uncertain Significance.